The following is an entry in ClinVar:

ClinVar aggregate classification (germline): Uncertain significance. Review status: criteria provided, multiple submitters, no conflicts (2 of 4 stars). 2 submissions from 2 submitters: Uncertain significance (2). Last evaluated 2025-01-09.

Conditions:
Inborn genetic diseases. Identifiers: MedGen C0950123, MeSH D030342.

gnomAD v4.1: 9 of 1,613,812 alleles (0.00056%); highest among the groups gnomAD compares: South Asian, 0.0011%; no homozygotes.

Submissions (2):

Ambry Genetics
Classification: Uncertain significance for Inborn genetic diseases. Last evaluated: 2025-01-09. Review status: criteria provided, single submitter. Criteria: Ambry Variant Classification Scheme 2023. Collection method: clinical testing. Allele origin: germline.

Labcorp Genetics (formerly Invitae), Labcorp
Classification: Uncertain significance. Last evaluated: 2024-11-27. Review status: criteria provided, single submitter. Criteria: Invitae Variant Classification Sherloc (09022015). Collection method: clinical testing. Allele origin: germline.
Comment: This sequence change replaces arginine, which is basic and polar, with glutamine, which is neutral and polar, at codon 1065 of the SRCAP protein (p.Arg1065Gln). This variant is present in population databases (rs778106954, gnomAD 0.0009%). This variant has not been reported in the literature in individuals affected with SRCAP-related conditions. Invitae Evidence Modeling of protein sequence and biophysical properties (such as structural, functional, and spatial information, amino acid conservation, physicochemical variation, residue mobility, and thermodynamic stability) indicates that this missense variant is not expected to disrupt SRCAP protein function with a negative predictive value of 80%. In summary, the available evidence is currently insufficient to determine the role of this variant in disease. Therefore, it has been classified as a Variant of Uncertain Significance.

NM_006662.3(SRCAP):c.3194G>A (p.Arg1065Gln)

Gene: SRCAP (Snf2 related CREBBP activator protein; plus strand). Cytogenetic location: 16p11.2.
Variant type: single nucleotide variant.
Coding change: c.3194G>A on transcript NM_006662.3 (MANE Select); coding-DNA position 3194, G replaced by A.
Protein change: p.Arg1065Gln; replaces arginine 1065 with glutamine.
Molecular consequence: missense variant.
Genome position (GRCh38, 1-based): chr16:30,720,919, G>A. VCF-style: chr16-30720919-G-A. GRCh37 (hg19) VCF-style: chr16-30732240-G-A.
Other names: c.3194G>A (NM_006662.2); short protein forms R1065Q.
Identifiers: ClinVar variation 3615199 (VCV003615199.3).